The following is an entry in ClinVar:

ClinVar aggregate classification (germline): Uncertain significance (1 of 4 stars; one submission).

Allele frequency attached by ClinVar (database versions not stated): gnomAD exomes 0.00001; TOPMed 0.00001.
gnomAD v4.1: 4 of 1,613,090 alleles (0.00025%); highest among the groups gnomAD compares: Admixed American, 0.0017%; no homozygotes.

Submission:

Labcorp Genetics (formerly Invitae), Labcorp
Classification: Uncertain significance. Last evaluated: 2023-11-24. Review status: criteria provided, single submitter. Criteria: Invitae Variant Classification Sherloc (09022015). Collection method: clinical testing. Allele origin: germline.
Comment: This sequence change replaces serine, which is neutral and polar, with isoleucine, which is neutral and non-polar, at codon 1030 of the CACNA1E protein (p.Ser1030Ile). This variant is present in population databases (no rsID available, gnomAD 0.007%). This variant has not been reported in the literature in individuals affected with CACNA1E-related conditions. ClinVar contains an entry for this variant (Variation ID: 1375668). Advanced modeling of protein sequence and biophysical properties (such as structural, functional, and spatial information, amino acid conservation, physicochemical variation, residue mobility, and thermodynamic stability) has been performed at Invitae for this missense variant, however the output from this modeling did not meet the statistical confidence thresholds required to predict the impact of this variant on CACNA1E protein function. In summary, the available evidence is currently insufficient to determine the role of this variant in disease. Therefore, it has been classified as a Variant of Uncertain Significance.

NM_001205293.3(CACNA1E):c.3089G>T (p.Ser1030Ile)

Gene: CACNA1E (calcium voltage-gated channel subunit alpha1 E; plus strand). Cytogenetic location: 1q25.3.
Variant type: single nucleotide variant.
Coding change: c.3089G>T on transcript NM_001205293.3 (MANE Select); coding-DNA position 3089, G replaced by T.
Protein change: p.Ser1030Ile; replaces serine 1030 with isoleucine.
Molecular consequence: missense variant.
Genome position (GRCh38, 1-based): chr1:181,733,577, G>T. VCF-style: chr1-181733577-G-T. GRCh37 (hg19) VCF-style: chr1-181702713-G-T.
Other names: c.3089G>T, p.Ser1030Ile (NM_000721.4); c.3032G>T, p.Ser1011Ile (NM_001205294.2); short protein forms S1011I, S1030I.
Identifiers: ClinVar variation 1375668 (VCV001375668.6), dbSNP rs1334265515, ClinGen allele CA343620924.
Genomic context (GRCh38, chr1:181,733,577, plus strand): 5'-ATCCTGAGCTGGAAGTGGGGAAGCACGTGGTGCTGACGGAGCAGGAGCCAGAAGGCAGCA[G>T]TGAGCAGGCCCTGCTGGGGAATGTGCAGCTAGACATGGGCCGGGTCATCAGCCAGAGCGA-3'
Protein context (NP_001192222.1, residues 1020-1040): VLTEQEPEGS[Ser1030Ile]EQALLGNVQL